The following is an entry in ClinVar:

NM_000264.5(PTCH1):c.2352A>T (p.Glu784Asp)

Genes: PTCH1 (patched 1; minus strand), LOC100507346 (uncharacterized LOC100507346; plus strand). Cytogenetic location: 9q22.32.
Variant type: single nucleotide variant.
Coding change: c.2352A>T on transcript NM_000264.5 (MANE Select); coding-DNA position 2352, A replaced by T.
Protein change: p.Glu784Asp; replaces glutamic acid 784 with aspartic acid.
Molecular consequence: missense variant.
Genome position (GRCh38, 1-based): chr9:95,467,324, T>A on the plus strand (A>T on the coding strand, the complement: PTCH1 is on the minus strand). VCF-style: chr9-95467324-T-A. GRCh37 (hg19) VCF-style: chr9-98229606-T-A.
Other names: c.2154A>T, p.Glu718Asp (NM_001083602.3); c.2349A>T, p.Glu783Asp (NM_001083603.3); c.1899A>T, p.Glu633Asp (NM_001083604.3, NM_001083605.3, NM_001083606.3 and 1 more transcripts); c.2196A>T, p.Glu732Asp (NM_001354918.2); short protein forms E718D, E732D, E784D, E783D, E633D.
Identifiers: ClinVar variation 846828 (VCV000846828.12), dbSNP rs1840099623, ClinGen allele CA374114516.
Genomic context (GRCh38, chr9:95,467,324, plus strand): 5'-ATACATGTTGTAGAAAGAAAAGTATTTGAATTGTGCAGCAATAAAGTCATATTCTCTGGT[T>A]TCCCGAGGTACAATGTCCGTAAGGTCCAGCCCGTCTCTCACTCGGGTGGTGCCATAAAGG-3'
Protein context (NP_000255.2, residues 774-794): GLDLTDIVPR[Glu784Asp]TREYDFIAAQ

ClinVar aggregate classification (germline): Uncertain significance. Review status: criteria provided, multiple submitters, no conflicts (2 of 4 stars). 2 submissions from 2 submitters: Uncertain significance (2). Last evaluated 2025-09-19.

Conditions:
Gorlin syndrome. Also called: Nevoid Basal Cell Carcinoma Syndrome; Basal cell nevus syndrome. Identifiers: Orphanet 377, MedGen C0004779, MONDO:0007187.
Hereditary cancer-predisposing syndrome. Also called: Neoplastic Syndromes, Hereditary; Hereditary neoplastic syndrome; Tumor predisposition; Hereditary Cancer Syndrome. Identifiers: Orphanet 140162, MedGen C0027672, MeSH D009386, MONDO:0015356.

Submissions (2):

Ambry Genetics
Classification: Uncertain significance for Hereditary cancer-predisposing syndrome. Last evaluated: 2025-09-19. Review status: criteria provided, single submitter. Criteria: Ambry Variant Classification Scheme 2023. Collection method: clinical testing. Allele origin: germline.
Comment: The p.E784D variant (also known as c.2352A>T), located in coding exon 15 of the PTCH1 gene, results from an A to T substitution at nucleotide position 2352. The glutamic acid at codon 784 is replaced by aspartic acid, an amino acid with highly similar properties. This amino acid position is well conserved in available vertebrate species. In addition, this alteration is predicted to be tolerated by in silico analysis. Since supporting evidence is limited at this time, the clinical significance of this alteration remains unclear.

Labcorp Genetics (formerly Invitae), Labcorp
Classification: Uncertain significance for Gorlin syndrome. Last evaluated: 2019-12-04. Review status: criteria provided, single submitter. Criteria: Invitae Variant Classification Sherloc (09022015). Collection method: clinical testing. Allele origin: germline.
Comment: In summary, the available evidence is currently insufficient to determine the role of this variant in disease. Therefore, it has been classified as a Variant of Uncertain Significance. Algorithms developed to predict the effect of missense changes on protein structure and function (SIFT, PolyPhen-2, Align-GVGD) all suggest that this variant is likely to be tolerated, but these predictions have not been confirmed by published functional studies and their clinical significance is uncertain. This variant has not been reported in the literature in individuals with PTCH1-related conditions. This variant is not present in population databases (ExAC no frequency). This sequence change replaces glutamic acid with aspartic acid at codon 784 of the PTCH1 protein (p.Glu784Asp). The glutamic acid residue is weakly conserved and there is a small physicochemical difference between glutamic acid and aspartic acid.